The following is an entry in ClinVar:

NM_033031.3(CCNB3):c.1543G>A (p.Gly515Arg)

Gene: CCNB3 (cyclin B3; plus strand). Cytogenetic location: Xp11.22.
Variant type: single nucleotide variant.
Coding change: c.1543G>A on transcript NM_033031.3 (MANE Select); coding-DNA position 1543, G replaced by A.
Protein change: p.Gly515Arg; replaces glycine 515 with arginine.
Molecular consequence: missense variant. On other transcripts: intron variant (1).
Genome position (GRCh38, 1-based): chrX:50,309,712, G>A. VCF-style: chrX-50309712-G-A. GRCh37 (hg19) VCF-style: chrX-50052712-G-A.
Other names: c.204+20825G>A (NM_033670.4); short protein forms G515R.
Identifiers: ClinVar variation 2458411 (VCV002458411.18), dbSNP rs781804199, ClinGen allele CA10414606.

ClinVar aggregate classification (germline): Conflicting classifications of pathogenicity. Review status: criteria provided, conflicting classifications (1 of 4 stars). 2 submissions from 2 submitters: Uncertain significance (1); Likely benign (1). Last evaluated 2025-09-25.

Allele frequency attached by ClinVar (database versions not stated): TOPMed 0.00004; ExAC 0.00005; gnomAD 0.00007; gnomAD exomes 0.00013.
gnomAD v4.1: 154 of 1,207,512 alleles (0.013%); highest among the groups gnomAD compares: Non-Finnish European, 0.016%; no homozygotes.

Submissions (2):

Ambry Genetics
Classification: Uncertain significance. Last evaluated: 2025-09-25. Review status: criteria provided, single submitter. Criteria: Ambry Variant Classification Scheme 2023. Collection method: clinical testing. Allele origin: germline.

CeGaT Center for Human Genetics Tuebingen
Classification: Likely benign. Last evaluated: 2024-08-01. Review status: criteria provided, single submitter. Criteria: CeGaT Center For Human Genetics Tuebingen Variant Classification Criteria Version 2. Collection method: clinical testing. Allele origin: germline. Affected: yes. Observed: 1 variant allele.
Comment: CCNB3: BP4